The following is an entry in ClinVar:

ClinVar aggregate classification (germline): Uncertain significance. Review status: criteria provided, multiple submitters, no conflicts (2 of 4 stars). 3 submissions from 3 submitters: Uncertain significance (3). Last evaluated 2024-12-15.

Conditions:
Ehlers-Danlos syndrome, classic type, 1 (EDSCL1). Also called: Ehlers-Danlos Syndrome, Classic Type, COL5A1-Related; EHLERS-DANLOS SYNDROME, GRAVIS TYPE; EHLERS-DANLOS SYNDROME, SEVERE CLASSIC TYPE; Ehlers-Danlos syndrome, type 1; EDS I. Identifiers: MedGen C0268335, MONDO:0019567, OMIM 130000.

Allele frequency attached by ClinVar (database versions not stated): gnomAD 0.00001; gnomAD exomes below 0.00001; ExAC 0.00001; TOPMed 0.00002.
gnomAD v4.1: 7 of 1,613,968 alleles (0.00043%); highest among the groups gnomAD compares: African/African-American, 0.0013%; no homozygotes.

Submissions (3):

Labcorp Genetics (formerly Invitae), Labcorp
Classification: Uncertain significance for Ehlers-Danlos syndrome, classic type, 1. Last evaluated: 2024-12-15. Review status: criteria provided, single submitter. Criteria: Invitae Variant Classification Sherloc (09022015). Collection method: clinical testing. Allele origin: germline.
Comment: This sequence change replaces proline, which is neutral and non-polar, with serine, which is neutral and polar, at codon 1090 of the COL5A2 protein (p.Pro1090Ser). This variant is present in population databases (rs761543775, gnomAD 0.005%). This variant has not been reported in the literature in individuals affected with COL5A2-related conditions. ClinVar contains an entry for this variant (Variation ID: 213115). Invitae Evidence Modeling of protein sequence and biophysical properties (such as structural, functional, and spatial information, amino acid conservation, physicochemical variation, residue mobility, and thermodynamic stability) indicates that this missense variant is not expected to disrupt COL5A2 protein function with a negative predictive value of 80%. In summary, the available evidence is currently insufficient to determine the role of this variant in disease. Therefore, it has been classified as a Variant of Uncertain Significance.

AiLife Diagnostics
Classification: Uncertain significance. Last evaluated: 2022-01-20. Review status: criteria provided, single submitter. Criteria: ACMG Guidelines, 2015. Collection method: clinical testing. Allele origin: germline. Affected: yes. Observed: 1 variant allele.

GeneDx
Classification: Uncertain significance. Last evaluated: 2016-10-18. Review status: criteria provided, single submitter. Criteria: GeneDx Variant Classification (06012015). Collection method: clinical testing. Allele origin: germline. Affected: yes.
Comment: TAAD is a genetically heterogeneous disorder characterized by aortic dilatation, aneurysms, dissections and/or aneurysms of other major arteries. Approximately 4% of patients with autosomal dominant Ehlers-Danlos syndrome, classic type, have been reported to have a mutation in the COL5A2 gene (Malfait F et al., 2011). p.Pro1090Ser (CCT>TCT): c.3268 C>T in exon 46 of the COL5A2 gene (NM_000393.3)The Pro1090Ser variant in the COL5A2 gene has not been reported as a disease-causing mutation or as a benign polymorphism to our knowledge. The Pro1090Ser variant was not observed in approximately 6500 individuals of European and African American ancestry in the NHLBI Exome Sequencing Project, indicating it is not a common benign variant in these populations. Pro1090Ser results in a non-conservative amino acid substitution of a non-polar, sterically constrained Proline with a polar Serine at a position in the triple helix region that is well conserved across species. Consequently, in silico analysis predicts Pro1090Ser is damaging to the protein structure/function. However, mutations in nearby residues have not been reported, and missense mutations in the triple helix region almost invariable involve substitution of a Glycine residue (Malfait F et al., 2011).With the clinical and molecular information available at this time, we cannot definitively determine if Pro1090Ser is a disease-causing mutation or a rare benign variant. This variant was found in TAAD.

NM_000393.5(COL5A2):c.3268C>T (p.Pro1090Ser)

Gene: COL5A2 (collagen type V alpha 2 chain; minus strand). Cytogenetic location: 2q32.2.
Variant type: single nucleotide variant.
Coding change: c.3268C>T on transcript NM_000393.5 (MANE Select); coding-DNA position 3268, C replaced by T.
Protein change: p.Pro1090Ser; replaces proline 1090 with serine.
Molecular consequence: missense variant.
Genome position (GRCh38, 1-based): chr2:189,045,841, G>A on the plus strand (C>T on the coding strand, the complement: COL5A2 is on the minus strand). VCF-style: chr2-189045841-G-A. GRCh37 (hg19) VCF-style: chr2-189910567-G-A.
Other names: p.P1090S:CCT>TCT; short protein forms P1090S.
Identifiers: ClinVar variation 213115 (VCV000213115.9), dbSNP rs761543775, ClinGen allele CA324267.